The following is an entry in ClinVar:

NM_015352.2(POFUT1):c.124+235T>G

Gene: POFUT1 (protein O-fucosyltransferase 1; plus strand). Cytogenetic location: 20q11.21.
Variant type: single nucleotide variant.
Coding change: c.124+235T>G on transcript NM_015352.2 (MANE Select); 235 bases into the intron after coding-DNA position 124, T replaced by G.
Molecular consequence: intron variant.
Genome position (GRCh38, 1-based): chr20:32,208,300, T>G. VCF-style: chr20-32208300-T-G. GRCh37 (hg19) VCF-style: chr20-30796103-T-G.
Other names: c.124+235T>G (NM_172236.2).
Identifiers: ClinVar variation 1707140 (VCV001707140.2), dbSNP rs6121388, ClinGen allele CA313874236.

ClinVar aggregate classification (germline): Likely benign (1 of 4 stars; one submission).

Allele frequency attached by ClinVar (database versions not stated): 1000 Genomes Project 0.00559; 1000 Genomes Project 30x 0.00562.
gnomAD v4.1: 2,152 of 152,064 alleles (1.4%); highest among the groups gnomAD compares: Non-Finnish European, 2%; 28 homozygotes.

Submission:

GeneDx
Classification: Likely benign. Last evaluated: 2019-04-09. Review status: criteria provided, single submitter. Criteria: GeneDx Variant Classification Process June 2021. Collection method: clinical testing. Allele origin: germline. Affected: yes.
Comment: See Variant Classification Assertion Criteria.